The following is an entry in ClinVar:

NM_006610.4(MASP2):c.2053G>A (p.Asp685Asn)

Genes: MASP2 (MBL associated serine protease 2; minus strand), TARDBP (TAR DNA binding protein; plus strand). Cytogenetic location: 1p36.22.
Variant type: single nucleotide variant.
Coding change: c.2053G>A on transcript NM_006610.4 (MANE Select); coding-DNA position 2053, G replaced by A.
Protein change: p.Asp685Asn; replaces aspartic acid 685 with asparagine.
Molecular consequence: missense variant.
Genome position (GRCh38, 1-based): chr1:11,026,893, C>T on the plus strand (G>A on the coding strand, the complement: MASP2 is on the minus strand). VCF-style: chr1-11026893-C-T. GRCh37 (hg19) VCF-style: chr1-11086950-C-T.
Other names: short protein forms D685N.
Identifiers: ClinVar variation 3123753 (VCV003123753.2), dbSNP rs141174563, ClinGen allele CA586530.

ClinVar aggregate classification (germline): Likely benign. Review status: criteria provided, single submitter (1 of 4 stars). 2 submissions from 2 submitters: Likely benign (1). 1 of the submissions does not count toward it. Last evaluated 2022-03-16.

Conditions:
MASP2-related disorder. Also called: MASP2-related condition.

Allele frequency attached by ClinVar (database versions not stated): gnomAD exomes 0.00006; ExAC 0.00024; gnomAD 0.00064; TOPMed 0.00071; ESP Exome Variant Server 0.00108.
gnomAD v4.1: 178 of 1,476,224 alleles (0.012%); highest among the groups gnomAD compares: African/African-American, 0.21%; no homozygotes.

Submissions (2):

Ambry Genetics
Classification: Likely benign. Last evaluated: 2022-03-16. Review status: criteria provided, single submitter. Criteria: Ambry Variant Classification Scheme 2023. Collection method: clinical testing. Allele origin: germline.

PreventionGenetics, part of Exact Sciences
Classification: Uncertain significance for MASP2-related condition. Last evaluated: 2024-09-28. Review status: no assertion criteria provided. Collection method: clinical testing. Allele origin: germline. Not counted in ClinVar's aggregate classification.
Comment: The MASP2 c.2053G>A variant is predicted to result in the amino acid substitution p.Asp685Asn. To our knowledge, this variant has not been reported in the literature. This variant is reported in 0.26% of alleles in individuals of African descent in gnomAD. Although we suspect that this variant may be benign, at this time, the clinical significance of this variant is uncertain due to the absence of conclusive functional and genetic evidence.